The following is an entry in ClinVar:

ClinVar aggregate classification (germline): Benign/Likely benign. Review status: criteria provided, multiple submitters, no conflicts (2 of 4 stars). 5 submissions from 5 submitters: Benign (3); Likely benign (2). Last evaluated 2026-01-15.

Conditions:
ANK2-related disorder. Also called: ANK2-related condition.
Cardiovascular phenotype. Identifiers: MedGen CN230736.
Long QT syndrome (LQTS). Identifiers: MedGen C0023976, MeSH D008133, MONDO:0002442. Disease mechanism: loss of function. Inheritance: Various modes of inheritance.
Cardiac arrhythmia, ankyrin-B-related. Also called: ANKYRIN-B SYNDROME. Identifiers: Orphanet 101016, Orphanet 768, MedGen C1970119, MONDO:0010958, OMIM 600919.

Allele frequency attached by ClinVar (database versions not stated): gnomAD 0.00002 and 0.00003; gnomAD exomes 0.00003 and 0.00012; TOPMed 0.00004; ExAC 0.00007.
gnomAD v4.1: 41 of 1,614,000 alleles (0.0025%); highest among the groups gnomAD compares: Admixed American, 0.067%; no homozygotes.

Submissions (5):

Labcorp Genetics (formerly Invitae), Labcorp
Classification: Benign for Long QT syndrome. Last evaluated: 2026-01-15. Review status: criteria provided, single submitter. Criteria: Invitae Variant Classification Sherloc (09022015). Collection method: clinical testing. Allele origin: germline.

PreventionGenetics, part of Exact Sciences
Classification: Likely benign for ANK2-related condition. Last evaluated: 2026-01-05. Review status: criteria provided, single submitter. Criteria: ACMG Guidelines, 2015. Collection method: clinical testing. Allele origin: germline.
Comment: This variant is classified as likely benign based on ACMG/AMP sequence variant interpretation guidelines (Richards et al. 2015 PMID: 25741868, with internal and published modifications).

Genome-Nilou Lab
Classification: Benign for Cardiac arrhythmia, ankyrin-B-related. Last evaluated: 2021-12-05. Review status: criteria provided, single submitter. Criteria: ACMG Guidelines, 2015. Collection method: clinical testing. Allele origin: germline. Affected: no.

Ambry Genetics
Classification: Likely benign for Cardiovascular phenotype. Last evaluated: 2016-06-02. Review status: criteria provided, single submitter. Criteria: Ambry Variant Classification Scheme 2023. Collection method: clinical testing. Allele origin: germline.

GeneDx
Classification: Benign. Last evaluated: 2014-05-10. Review status: criteria provided, single submitter. Criteria: GeneDx Variant Classification (06012015). Collection method: clinical testing. Allele origin: germline. Affected: yes.
Comment: This variant is considered likely benign or benign based on one or more of the following criteria: it is a conservative change, it occurs at a poorly conserved position in the protein, it is predicted to be benign by multiple in silico algorithms, and/or has population frequency not consistent with disease.

NM_001148.6(ANK2):c.615C>T (p.Thr205=)

Gene: ANK2 (ankyrin 2; plus strand). Cytogenetic location: 4q26.
Variant type: single nucleotide variant.
Coding change: c.615C>T on transcript NM_001148.6 (MANE Select); coding-DNA position 615, C replaced by T.
Protein change: p.Thr205=; no amino-acid change (threonine 205 retained).
Molecular consequence: synonymous variant.
Genome position (GRCh38, 1-based): chr4:113,237,118, C>T. VCF-style: chr4-113237118-C-T. GRCh37 (hg19) VCF-style: chr4-114158274-C-T.
Other names: p.T205T:ACC>ACT; c.552C>T, p.Thr184= (NM_001354239.2, NM_001354243.2, NM_001354244.2 and 33 more transcripts); c.660C>T, p.Thr220= (NM_001354240.2, NM_001354241.2, NM_001354242.2 and 5 more transcripts); c.615C>T, p.Thr205= (NM_001354245.2, NM_001354246.2, NM_001354258.2 and 9 more transcripts); c.597C>T, p.Thr199= (NM_001354261.2, NM_001386147.1, NM_001386160.1); c.603C>T, p.Thr201= (NM_001354269.3, NM_001386148.2, NM_001386186.2 and 1 more transcripts); c.666C>T, p.Thr222= (NM_001386174.1, NM_001386175.1).
Identifiers: ClinVar variation 136383 (VCV000136383.16), dbSNP rs587780852, ClinGen allele CA289431.